The following is an entry in ClinVar:

ClinVar aggregate classification (germline): Uncertain significance (1 of 4 stars; one submission).

Conditions:
Charcot-Marie-Tooth disease type 4. Also called: Charcot-Marie-Tooth disease, type IV; Charcot-Marie-Tooth, Type 4. Identifiers: Orphanet 64749, MedGen C4082197, MONDO:0018995.

gnomAD v4.1: 1 of 1,611,058 alleles (0.000062%); no homozygotes.

Submission:

Labcorp Genetics (formerly Invitae), Labcorp
Classification: Uncertain significance for Charcot-Marie-Tooth disease type 4. Last evaluated: 2026-01-19. Review status: criteria provided, single submitter. Criteria: Invitae Variant Classification Sherloc (09022015). Collection method: clinical testing. Allele origin: germline.
Comment: This sequence change replaces leucine, which is neutral and non-polar, with isoleucine, which is neutral and non-polar, at codon 1386 of the SBF2 protein (p.Leu1386Ile). This variant is not present in population databases (gnomAD no frequency). This variant has not been reported in the literature in individuals affected with SBF2-related conditions. An algorithm developed to predict the effect of missense changes on protein structure and function (PolyPhen-2) suggests that this variant is likely to be tolerated. In summary, the available evidence is currently insufficient to determine the role of this variant in disease. Therefore, it has been classified as a Variant of Uncertain Significance.

NM_030962.4(SBF2):c.4156C>A (p.Leu1386Ile)

Genes: SBF2 (SET binding factor 2; minus strand), SBF2-AS1 (SBF2 antisense RNA 1; plus strand). Cytogenetic location: 11p15.4.
Variant type: single nucleotide variant.
Coding change: c.4156C>A on transcript NM_030962.4 (MANE Select); coding-DNA position 4156, C replaced by A.
Protein change: p.Leu1386Ile; replaces leucine 1386 with isoleucine.
Molecular consequence: missense variant. On other transcripts: non-coding transcript variant (1).
Genome position (GRCh38, 1-based): chr11:9,809,002, G>T on the plus strand (C>A on the coding strand, the complement: SBF2 is on the minus strand). VCF-style: chr11-9809002-G-T. GRCh37 (hg19) VCF-style: chr11-9830549-G-T.
Other names: c.4252C>A, p.Leu1418Ile (NM_001386339.1); c.4027C>A, p.Leu1343Ile (NM_001386342.1); c.4192C>A, p.Leu1398Ile (NM_001424318.1, NM_001425070.1); c.4051C>A, p.Leu1351Ile (NM_001425069.1); short protein forms L1351I, L1418I, L1386I, L1398I, L1343I.
Identifiers: ClinVar variation 4737188 (VCV004737188.1).
Genomic context (GRCh38, chr11:9,809,002, plus strand): 5'-CTGAGGAACCATTCTCAAGTACTTCTGATACAACCACAGCCAGCTGCATTATCCTGTGAA[G>T]CTAAGAGACAGGAAGGAGAACACAATTAGACCAAGCGCTTTCTGAGTGCAGAAGTCAGAG-3'
Protein context (NP_112224.1, residues 1376-1396): ALGDSEWFPQ[Leu1386Ile]HRIMQLAVVV